The following is an entry in ClinVar:

ClinVar aggregate classification (germline): Uncertain significance (1 of 4 stars; one submission).

Conditions:
POLD1-related polyposis and colorectal cancer syndrome (CRCS10). Also called: Colorectal cancer 10; COLORECTAL CANCER, SUSCEPTIBILITY TO, ON CHROMOSOME 19q; Colorectal cancer, susceptibility to, 10. Identifiers: Orphanet 220460, MedGen C2675481, MONDO:0012953, OMIM 612591.

Allele frequency attached by ClinVar (database versions not stated): gnomAD exomes below 0.00001; ExAC 0.00001; ESP Exome Variant Server 0.00008.

Submission:

Labcorp Genetics (formerly Invitae), Labcorp
Classification: Uncertain significance for POLD1-related polyposis and colorectal cancer syndrome. Last evaluated: 2019-10-21. Review status: criteria provided, single submitter. Criteria: Invitae Variant Classification Sherloc (09022015). Collection method: clinical testing. Allele origin: germline.
Comment: Missense variants that disrupt the 3'-5' exonuclease (proof-reading) activity of the POLD1 protein, while not abolishing its polymerase enzyme activity, are associated with an increased risk for colonic adenomatous polyps and colon cancer (PMID: 23263490, 23447401). Loss-of-function variants, which result in an absent or severely disrupted POLD1 protein, are therefore unlikely to be associated with disease. Without further clinical and genetic evidence, however, this variant has been classified as a Variant of Uncertain Significance. This variant has not been reported in the literature in individuals with POLD1-related conditions. This variant is present in population databases (rs371040297, ExAC 0.002%). This sequence change creates a premature translational stop signal (p.Gln69*) in the POLD1 gene. It is expected to result in an absent or disrupted protein product.

Literature cited by the submitters: PubMed 23263490; PubMed 23447401.

NM_002691.4(POLD1):c.205C>T (p.Gln69Ter)

Gene: POLD1 (DNA polymerase delta 1, catalytic subunit; plus strand). Cytogenetic location: 19q13.33.
Variant type: single nucleotide variant.
Coding change: c.205C>T on transcript NM_002691.4 (MANE Select); coding-DNA position 205, C replaced by T.
Protein change: p.Gln69Ter; replaces glutamine 69 with a stop codon.
Molecular consequence: nonsense. On other transcripts: non-coding transcript variant (1).
Genome position (GRCh38, 1-based): chr19:50,399,373, C>T. VCF-style: chr19-50399373-C-T. GRCh37 (hg19) VCF-style: chr19-50902630-C-T.
Other names: c.205C>T, p.Gln69Ter (NM_001256849.1, NM_001308632.1); short protein forms Q69*.
Identifiers: ClinVar variation 939202 (VCV000939202.9), dbSNP rs371040297, ClinGen allele CA9595651.